The following is an entry in ClinVar:

ClinVar aggregate classification (germline): Likely benign (1 of 4 stars; one submission).

Allele frequency attached by ClinVar (database versions not stated): gnomAD exomes below 0.00001; TOPMed below 0.00001; gnomAD 0.00001.
gnomAD v4.1: 5 of 1,612,774 alleles (0.00031%); highest among the groups gnomAD compares: Non-Finnish European, 0.00042%; no homozygotes.

Submission:

CeGaT Center for Human Genetics Tuebingen
Classification: Likely benign. Last evaluated: 2022-05-01. Review status: criteria provided, single submitter. Criteria: CeGaT Center For Human Genetics Tuebingen Variant Classification Criteria Version 2. Collection method: clinical testing. Allele origin: germline. Affected: yes. Observed: 1 variant allele.
Comment: KIF23: BP4, BP7

NM_001367805.3(KIF23):c.1119T>C (p.Asn373=)

Gene: KIF23 (kinesin family member 23; plus strand). Cytogenetic location: 15q23.
Variant type: single nucleotide variant.
Coding change: c.1119T>C on transcript NM_001367805.3 (MANE Select); coding-DNA position 1119, T replaced by C.
Protein change: p.Asn373=; no amino-acid change (asparagine 373 retained).
Molecular consequence: synonymous variant. On other transcripts: non-coding transcript variant (2).
Genome position (GRCh38, 1-based): chr15:69,435,487, T>C. VCF-style: chr15-69435487-T-C. GRCh37 (hg19) VCF-style: chr15-69727826-T-C.
Other names: c.747T>C, p.Asn249= (NM_001281301.2); c.1077T>C, p.Asn359= (NM_001367804.2, NM_004856.7, NM_138555.4).
Identifiers: ClinVar variation 2645494 (VCV002645494.24), dbSNP rs1175789369, ClinGen allele CA490983106.